The following is an entry in ClinVar:

ClinVar aggregate classification (germline): Uncertain significance (1 of 4 stars; one submission).

Conditions:
Microcephaly-intellectual disability-sensorineural hearing loss-epilepsy-abnormal muscle tone syndrome (NEDHSB). Also called: NEURODEVELOPMENTAL DISORDER WITH HEARING LOSS, SEIZURES, AND BRAIN ABNORMALITIES. Identifiers: Orphanet 457351, MedGen C4225276, MONDO:0014698, OMIM 616577.

Allele frequency attached by ClinVar (database versions not stated): TOPMed 0.00003; ESP Exome Variant Server 0.00023.
gnomAD v4.1: 83 of 1,612,226 alleles (0.0051%); highest among the groups gnomAD compares: Non-Finnish European, 0.0067%; no homozygotes.

Submission:

Labcorp Genetics (formerly Invitae), Labcorp
Classification: Uncertain significance for Microcephaly-intellectual disability-sensorineural hearing loss-epilepsy-abnormal muscle tone syndrome. Last evaluated: 2022-07-12. Review status: criteria provided, single submitter. Criteria: Invitae Variant Classification Sherloc (09022015). Collection method: clinical testing. Allele origin: germline.
Comment: This sequence change replaces methionine, which is neutral and non-polar, with arginine, which is basic and polar, at codon 153 of the SPATA5 protein (p.Met153Arg). This variant is present in population databases (rs375957621, gnomAD 0.007%). This variant has not been reported in the literature in individuals affected with SPATA5-related conditions. ClinVar contains an entry for this variant (Variation ID: 1425819). Advanced modeling of protein sequence and biophysical properties (such as structural, functional, and spatial information, amino acid conservation, physicochemical variation, residue mobility, and thermodynamic stability) performed at Invitae indicates that this missense variant is not expected to disrupt SPATA5 protein function. In summary, the available evidence is currently insufficient to determine the role of this variant in disease. Therefore, it has been classified as a Variant of Uncertain Significance.

NM_145207.3(AFG2A):c.458T>G (p.Met153Arg)

Gene: AFG2A (AFG2 AAA ATPase homolog A; plus strand). Cytogenetic location: 4q28.1.
Variant type: single nucleotide variant.
Coding change: c.458T>G on transcript NM_145207.3 (MANE Select); coding-DNA position 458, T replaced by G.
Protein change: p.Met153Arg; replaces methionine 153 with arginine.
Molecular consequence: missense variant.
Genome position (GRCh38, 1-based): chr4:122,933,450, T>G. VCF-style: chr4-122933450-T-G. GRCh37 (hg19) VCF-style: chr4-123854605-T-G.
Other names: c.455T>G, p.Met152Arg (NM_001317799.2, NM_001345856.2); short protein forms M152R, M153R.
Identifiers: ClinVar variation 1425819 (VCV001425819.3), dbSNP rs375957621, ClinGen allele CA3070233.